The following is an entry in ClinVar:

ClinVar aggregate classification (germline): Uncertain significance (1 of 4 stars; one submission).

Conditions:
Cardiovascular phenotype. Identifiers: MedGen CN230736.

Submission:

Ambry Genetics
Classification: Uncertain significance for Cardiovascular phenotype. Last evaluated: 2026-05-03. Review status: criteria provided, single submitter. Criteria: Ambry Variant Classification Scheme 2023. Collection method: clinical testing. Allele origin: germline.
Comment: The p.A1682V variant (also known as c.5045C>T), located in coding exon 41 of the CACNA1C gene, results from a C to T substitution at nucleotide position 5045. The alanine at codon 1682 is replaced by valine, an amino acid with similar properties. This amino acid position is conserved. In addition, the in silico prediction for this alteration is inconclusive. Based on the available evidence, the clinical significance of this variant remains unclear.

NM_000719.7(CACNA1C):c.5045C>T (p.Ala1682Val)

Genes: CACNA1C (calcium voltage-gated channel subunit alpha1 C; plus strand), CACNA1C-AS1 (CACNA1C antisense RNA 1; minus strand). Cytogenetic location: 12p13.33.
Variant type: single nucleotide variant.
Coding change: c.5045C>T on transcript NM_000719.7 (MANE Select); coding-DNA position 5045, C replaced by T.
Protein change: p.Ala1682Val; replaces alanine 1682 with valine.
Molecular consequence: missense variant. On other transcripts: non-coding transcript variant (1).
Genome position (GRCh38, 1-based): chr12:2,677,821, C>T. VCF-style: chr12-2677821-C-T. GRCh37 (hg19) VCF-style: chr12-2786987-C-T.
Other names: c.5102C>T, p.Ala1701Val (NM_001129833.2, NM_001129834.2, NM_001129835.2); c.5096C>T, p.Ala1699Val (NM_001129836.2); c.5069C>T, p.Ala1690Val (NM_001129837.2, NM_001129838.2); c.5063C>T, p.Ala1688Val (NM_001129839.2); c.5045C>T, p.Ala1682Val (NM_001129840.2, NM_001129841.2, NM_001129842.2 and 4 more transcripts); c.5036C>T, p.Ala1679Val (NM_001129844.2); c.5012C>T, p.Ala1671Val (NM_001129846.2, NM_001167625.2); c.5189C>T, p.Ala1730Val (NM_199460.4, NM_001129827.2); and 3 more; short protein forms A1671V, A1679V, A1682V, A1688V, A1690V, A1699V, A1701V, A1702V.
Identifiers: ClinVar variation 4868062 (VCV004868062.1).